The following is an entry in ClinVar:

ClinVar aggregate classification (germline): Uncertain significance (1 of 4 stars; one submission).

Conditions:
PLXNA2-related disorder. Also called: PLXNA2-related condition.

gnomAD v4.1: 13 of 1,613,902 alleles (0.00081%); highest among the groups gnomAD compares: South Asian, 0.0011%; no homozygotes.

Submission:

PreventionGenetics, part of Exact Sciences
Classification: Uncertain significance for PLXNA2-related condition. Last evaluated: 2026-05-21. Review status: criteria provided, single submitter. Criteria: ACMG Guidelines, 2015. Collection method: clinical testing. Allele origin: germline.
Comment: The PLXNA2 c.3757G>A variant is predicted to result in the amino acid substitution p.Val1253Ile. To our knowledge, this variant has not been reported in the literature. This variant is reported in 0.0033% of alleles in individuals of South Asian descent in gnomAD. At this time, the clinical significance of this variant is uncertain due to the absence of conclusive functional and genetic evidence.

NM_025179.4(PLXNA2):c.3757G>A (p.Val1253Ile)

Gene: PLXNA2 (plexin A2; minus strand). Cytogenetic location: 1q32.2.
Variant type: single nucleotide variant.
Coding change: c.3757G>A on transcript NM_025179.4 (MANE Select); coding-DNA position 3757, G replaced by A.
Protein change: p.Val1253Ile; replaces valine 1253 with isoleucine.
Molecular consequence: missense variant.
Genome position (GRCh38, 1-based): chr1:208,044,625, C>T on the plus strand (G>A on the coding strand, the complement: PLXNA2 is on the minus strand). VCF-style: chr1-208044625-C-T. GRCh37 (hg19) VCF-style: chr1-208217970-C-T.
Other names: short protein forms V1253I.
Identifiers: ClinVar variation 4977004 (VCV004977004.1).
Genomic context (GRCh38, chr1:208,044,625, plus strand): 5'-GCTTGAGAGTGAGGTCATTTTCTCGAGACTTGCGCTTGTAGGCAATGAGGACGATGATGA[C>T]GATGATGAGGAGGAGGCTGCCGCCGGCCGCGATGCTGACGATGGCTGGCAGGGTCAGCAA-3'
Protein context (NP_079455.3, residues 1243-1263): AAGGSLLLII[Val1253Ile]IIVLIAYKRK